The following is an entry in ClinVar:

ClinVar aggregate classification (germline): Uncertain significance. Review status: criteria provided, multiple submitters, no conflicts (2 of 4 stars). 2 submissions from 2 submitters: Uncertain significance (2). Last evaluated 2025-05-16.

Conditions:
Inborn genetic diseases. Identifiers: MedGen C0950123, MeSH D030342.

Allele frequency attached by ClinVar (database versions not stated): gnomAD exomes 0.00002 and 0.00003; 1000 Genomes Project 0.00020; gnomAD 0.00004 and 0.00003; TOPMed 0.00003; 1000 Genomes Project 30x 0.00016; ExAC 0.00003.
gnomAD v4.1: 45 of 1,614,138 alleles (0.0028%); highest among the groups gnomAD compares: African/African-American, 0.004%; no homozygotes.

Submissions (2):

Ambry Genetics
Classification: Uncertain significance for Inborn genetic diseases. Last evaluated: 2025-05-16. Review status: criteria provided, single submitter. Criteria: Ambry Variant Classification Scheme 2023. Collection method: clinical testing. Allele origin: germline.

Labcorp Genetics (formerly Invitae), Labcorp
Classification: Uncertain significance. Last evaluated: 2022-08-15. Review status: criteria provided, single submitter. Criteria: Invitae Variant Classification Sherloc (09022015). Collection method: clinical testing. Allele origin: germline.
Comment: This sequence change replaces arginine, which is basic and polar, with tryptophan, which is neutral and slightly polar, at codon 1510 of the MYO5B protein (p.Arg1510Trp). This variant is present in population databases (rs192784103, gnomAD 0.006%). This variant has not been reported in the literature in individuals affected with MYO5B-related conditions. ClinVar contains an entry for this variant (Variation ID: 1024978). Algorithms developed to predict the effect of missense changes on protein structure and function are either unavailable or do not agree on the potential impact of this missense change (SIFT: "Deleterious"; PolyPhen-2: "Probably Damaging"; Align-GVGD: "Class C0"). In summary, the available evidence is currently insufficient to determine the role of this variant in disease. Therefore, it has been classified as a Variant of Uncertain Significance.

NM_001080467.3(MYO5B):c.4528C>T (p.Arg1510Trp)

Genes: MYO5B (myosin VB; minus strand), SNHG22 (small nucleolar RNA host gene 22; plus strand). Cytogenetic location: 18q21.1.
Variant type: single nucleotide variant.
Coding change: c.4528C>T on transcript NM_001080467.3 (MANE Select); coding-DNA position 4528, C replaced by T.
Protein change: p.Arg1510Trp; replaces arginine 1510 with tryptophan.
Molecular consequence: missense variant.
Genome position (GRCh38, 1-based): chr18:49,843,324, G>A on the plus strand (C>T on the coding strand, the complement: MYO5B is on the minus strand). VCF-style: chr18-49843324-G-A. GRCh37 (hg19) VCF-style: chr18-47369694-G-A.
Other names: c.4528C>T (NM_001080467.2); short protein forms R1510W.
Identifiers: ClinVar variation 1024978 (VCV001024978.3), dbSNP rs192784103, ClinGen allele CA8960326.
Genomic context (GRCh38, chr18:49,843,324, plus strand): 5'-TGATGGTGGAGGTCAGCAGGGAGTGCACCTTGAGATCGTCGTTGGTGTAGTCCGCGTGCC[G>A]GATGCACATGTAGAGGATGTAGGCGGGGAGACAGGGCACTGTGCCCGACAGCATCTGGGG-3'
Protein context (NP_001073936.1, residues 1500-1520): LPAYILYMCI[Arg1510Trp]HADYTNDDLK